The following is an entry in ClinVar:

NM_021076.4(NEFH):c.2221A>G (p.Lys741Glu)

Gene: NEFH (neurofilament heavy chain; plus strand). Cytogenetic location: 22q12.2.
Variant type: single nucleotide variant.
Coding change: c.2221A>G on transcript NM_021076.4 (MANE Select); coding-DNA position 2221, A replaced by G.
Protein change: p.Lys741Glu; replaces lysine 741 with glutamic acid.
Molecular consequence: missense variant.
Genome position (GRCh38, 1-based): chr22:29,489,861, A>G. VCF-style: chr22-29489861-A-G. GRCh37 (hg19) VCF-style: chr22-29885850-A-G.
Other names: short protein forms K741E.
Identifiers: ClinVar variation 5040434 (VCV005040434.1).

ClinVar aggregate classification (germline): Uncertain significance (1 of 4 stars; one submission).

Submission:

CeGaT Center for Human Genetics Tuebingen
Classification: Uncertain significance. Last evaluated: 2026-08-01. Review status: criteria provided, single submitter. Criteria: CeGaT Center For Human Genetics Tuebingen Variant Classification Criteria Version 2. Collection method: clinical testing. Allele origin: germline. Affected: yes. Observed: 1 variant allele.
Comment: NEFH: PM2, BP4